The following is an entry in ClinVar:

NM_000179.3(MSH6):c.1700dup (p.Phe568fs)

Gene: MSH6 (mutS homolog 6; plus strand). Cytogenetic location: 2p16.3.
Variant type: Duplication.
Coding change: c.1700dup on transcript NM_000179.3 (MANE Select); coding-DNA position 1700, one base duplicated (A; older notation c.1700dupA).
Protein change: p.Phe568fs; shifts the reading frame from phenylalanine 568.
Molecular consequence: frameshift variant.
Genome position (GRCh38, 1-based): chr2:47,799,683, A duplicated; the last of 3 consecutive A bases (chr2:47,799,681-47,799,683); duplicating any one gives the same sequence. VCF-style (leftmost placement, unchanged base first): chr2-47799680-G-GA. GRCh37 (hg19) VCF-style: chr2-48026819-G-GA.
Other names: c.1700dupA (NM_000179.2); c.1310dup, p.Phe438fs (NM_001281492.2); c.794dup, p.Phe266fs (NM_001281493.2, NM_001281494.2); short protein forms F438fs, F568fs, F266fs.
Identifiers: ClinVar variation 525684 (VCV000525684.14), dbSNP rs1553413074, ClinGen allele CA658795755.

ClinVar aggregate classification (germline): Pathogenic. Review status: criteria provided, multiple submitters, no conflicts (2 of 4 stars). 4 submissions from 4 submitters: Pathogenic (4). Last evaluated 2026-02-17.

Conditions:
Hereditary nonpolyposis colon cancer (HNPCC). Also called: Hereditary nonpolyposis colorectal cancer; Familial nonpolyposis colon cancer; Hereditary Nonpolyposis Colorectal Cancer Syndrome. Identifiers: Orphanet 443909, MedGen C1333990, MONDO:0018630. Disease mechanism: loss of function.
Hereditary nonpolyposis colorectal neoplasms. Identifiers: MedGen C0009405, MeSH D003123.
Hereditary cancer-predisposing syndrome. Also called: Tumor predisposition; Hereditary Cancer Syndrome; Neoplastic Syndromes, Hereditary; Hereditary neoplastic syndrome. Identifiers: Orphanet 140162, MedGen C0027672, MeSH D009386, MONDO:0015356.
Lynch syndrome 5 (LYNCH5). Also called: Colorectal cancer, hereditary nonpolyposis, type 5; Hereditary non-polyposis colorectal cancer, type 5. Identifiers: Orphanet 144, MedGen C1833477, MONDO:0013710, OMIM 614350. Disease mechanism: loss of function.

Submissions (4):

Myriad Genetics, Inc.
Classification: Pathogenic for Lynch syndrome 5. Last evaluated: 2026-02-17. Review status: criteria provided, single submitter. Criteria: Myriad Autosomal Dominant, Autosomal Recessive and X-Linked Classification Criteria (2023). Collection method: clinical testing. Allele origin: unknown.
Comment: This variant is considered pathogenic. This variant creates a frameshift predicted to result in premature protein truncation.

Ambry Genetics
Classification: Pathogenic for Hereditary cancer-predisposing syndrome. Last evaluated: 2025-04-28. Review status: criteria provided, single submitter. Criteria: Ambry Variant Classification Scheme 2023. Collection method: clinical testing. Allele origin: germline.
Comment: The c.1700dupA pathogenic mutation, located in coding exon 4 of the MSH6 gene, results from a duplication of A at nucleotide position 1700, causing a translational frameshift with a predicted alternate stop codon (p.F568Vfs*9). This variant is considered to be rare based on population cohorts in the Genome Aggregation Database (gnomAD). This alteration is expected to result in loss of function by premature protein truncation or nonsense-mediated mRNA decay. As such, this alteration is interpreted as a disease-causing mutation.

Women's Health and Genetics/Laboratory Corporation of America, LabCorp
Classification: Pathogenic for Hereditary nonpolyposis colon cancer. Last evaluated: 2023-07-31. Review status: criteria provided, single submitter. Criteria: LabCorp Variant Classification Summary - May 2015. Collection method: clinical testing. Allele origin: germline.
Comment: Variant summary: MSH6 c.1700dupA (p.Phe568ValfsX9) results in a premature termination codon, predicted to cause a truncation of the encoded protein or absence of the protein due to nonsense mediated decay, which are commonly known mechanisms for disease. The variant was absent in 250304 control chromosomes. c.1700dupA has been reported in the literature in at least two individuals affected with endometrial cancer and classified as having Lynch syndrome, with one individual meeting the revised Bethesda criteria for Lynch syndrome (Dondi_2020). These data indicate that the variant is likely associated with disease. To our knowledge, no experimental evidence demonstrating an impact on protein function has been reported. The following publication has been ascertained in the context of this evaluation (PMID: 33003368). Two submitters have cited clinical-significance assessments for this variant to ClinVar after 2014. All submitters classified the variant as pathogenic. Based on the evidence outlined above, the variant was classified as pathogenic.

Labcorp Genetics (formerly Invitae), Labcorp
Classification: Pathogenic for Hereditary nonpolyposis colorectal neoplasms. Last evaluated: 2023-07-16. Review status: criteria provided, single submitter. Criteria: Invitae Variant Classification Sherloc (09022015). Collection method: clinical testing. Allele origin: germline.
Comment: For these reasons, this variant has been classified as Pathogenic. ClinVar contains an entry for this variant (Variation ID: 525684). This variant has not been reported in the literature in individuals affected with MSH6-related conditions. This variant is not present in population databases (gnomAD no frequency). This sequence change creates a premature translational stop signal (p.Phe568Valfs*9) in the MSH6 gene. It is expected to result in an absent or disrupted protein product. Loss-of-function variants in MSH6 are known to be pathogenic (PMID: 18269114, 24362816).

Literature cited by the submitters: PubMed 33003368 (cited by Women's Health and Genetics/Laboratory Corporation of America, LabCorp); PubMed 18269114 (cited by Labcorp Genetics (formerly Invitae), Labcorp); PubMed 24362816 (cited by Labcorp Genetics (formerly Invitae), Labcorp).